The following is an entry in ClinVar:

ClinVar aggregate classification (germline): Benign/Likely benign. Review status: criteria provided, multiple submitters, no conflicts (2 of 4 stars). 4 submissions from 4 submitters: Benign (1); Likely benign (3). Last evaluated 2025-12-18.

Allele frequency attached by ClinVar (database versions not stated): gnomAD exomes 0.00014 and 0.00039; ExAC 0.00041; ESP Exome Variant Server 0.00063; gnomAD 0.00146 and 0.00161; 1000 Genomes Project 30x 0.00172; 1000 Genomes Project 0.00180; TOPMed 0.00184.
gnomAD v4.1: 447 of 1,613,922 alleles (0.028%); highest among the groups gnomAD compares: African/African-American, 0.51%; 1 homozygote.

Submissions (4):

Labcorp Genetics (formerly Invitae), Labcorp
Classification: Benign. Last evaluated: 2025-12-18. Review status: criteria provided, single submitter. Criteria: Invitae Variant Classification Sherloc (09022015). Collection method: clinical testing. Allele origin: germline.

CeGaT Center for Human Genetics Tuebingen
Classification: Likely benign. Last evaluated: 2025-09-01. Review status: criteria provided, single submitter. Criteria: CeGaT Center For Human Genetics Tuebingen Variant Classification Criteria Version 2. Collection method: clinical testing. Allele origin: germline. Affected: yes. Observed: 2 variant alleles.
Comment: HERC1: BP4, BP7

Blueprint Genetics
Classification: Likely benign. Last evaluated: 2024-11-26. Review status: criteria provided, single submitter. Criteria: ACMG Guidelines, 2015. Collection method: clinical testing. Allele origin: germline.

GeneDx
Classification: Likely benign. Last evaluated: 2020-01-22. Review status: criteria provided, single submitter. Criteria: GeneDx Variant Classification Process June 2021. Collection method: clinical testing. Allele origin: germline. Affected: yes.

NM_003922.4(HERC1):c.8964C>T (p.Val2988=)

Gene: HERC1 (HECT and RLD domain containing E3 ubiquitin protein ligase family member 1; minus strand). Cytogenetic location: 15q22.31.
Variant type: single nucleotide variant.
Coding change: c.8964C>T on transcript NM_003922.4 (MANE Select); coding-DNA position 8964, C replaced by T.
Protein change: p.Val2988=; no amino-acid change (valine 2988 retained).
Molecular consequence: synonymous variant.
Genome position (GRCh38, 1-based): chr15:63,661,959, G>A on the plus strand (C>T on the coding strand, the complement: HERC1 is on the minus strand). VCF-style: chr15-63661959-G-A. GRCh37 (hg19) VCF-style: chr15-63954158-G-A.
Identifiers: ClinVar variation 779842 (VCV000779842.35), dbSNP rs2229748, ClinGen allele CA7604823.